The following is an entry in ClinVar:

NM_000171.4(GLRA1):c.799T>C (p.Trp267Arg)

Gene: GLRA1 (glycine receptor alpha 1; minus strand). Cytogenetic location: 5q33.1.
Variant type: single nucleotide variant.
Coding change: c.799T>C on transcript NM_000171.4 (MANE Select); coding-DNA position 799, T replaced by C.
Protein change: p.Trp267Arg; replaces tryptophan 267 with arginine.
Molecular consequence: missense variant.
Genome position (GRCh38, 1-based): chr5:151,851,503, A>G on the plus strand (T>C on the coding strand, the complement: GLRA1 is on the minus strand). VCF-style: chr5-151851503-A-G. GRCh37 (hg19) VCF-style: chr5-151231064-A-G.
Other names: c.799T>C, p.Trp267Arg (NM_001146040.2); c.550T>C, p.Trp184Arg (NM_001292000.2); short protein forms W184R, W267R.
Identifiers: ClinVar variation 3345129 (VCV003345129.1).

ClinVar aggregate classification (germline): Uncertain significance (0 of 4 stars; one submission).

Conditions:
GLRA1-related disorder. Also called: GLRA1-related condition.

Submission:

PreventionGenetics, part of Exact Sciences
Classification: Uncertain significance for GLRA1-related condition. Last evaluated: 2024-09-06. Review status: no assertion criteria provided. Collection method: clinical testing. Allele origin: germline.
Comment: The GLRA1 c.799T>C variant is predicted to result in the amino acid substitution p.Trp267Arg. To our knowledge, this variant has not been reported in the literature or in a large population database, indicating this variant is rare. A variant impacting the same amino acid (801G>C, p.Trp267Cys) has been reported in the literature in individuals with hereditary hyperekplexia (Gilbert et al. 2004. PubMed ID: 15771552). At this time, the clinical significance of this variant is uncertain due to the absence of conclusive functional and genetic evidence.